The following is an entry in ClinVar:

ClinVar aggregate classification (germline): Uncertain significance. Review status: criteria provided, multiple submitters, no conflicts (2 of 4 stars). 2 submissions from 2 submitters: Uncertain significance (2). Last evaluated 2025-12-06.

Conditions:
Inborn genetic diseases. Identifiers: MedGen C0950123, MeSH D030342.

Allele frequency attached by ClinVar (database versions not stated): TOPMed below 0.00001; gnomAD 0.00001.
gnomAD v4.1: 26 of 1,614,052 alleles (0.0016%); highest among the groups gnomAD compares: Non-Finnish European, 0.0021%; no homozygotes.

Submissions (2):

Labcorp Genetics (formerly Invitae), Labcorp
Classification: Uncertain significance. Last evaluated: 2025-12-06. Review status: criteria provided, single submitter. Criteria: Invitae Variant Classification Sherloc (09022015). Collection method: clinical testing. Allele origin: germline.
Comment: This sequence change replaces arginine, which is basic and polar, with tryptophan, which is neutral and slightly polar, at codon 512 of the MBD4 protein (p.Arg512Trp). This variant is present in population databases (no rsID available, gnomAD 0.0009%). This variant has not been reported in the literature in individuals affected with MBD4-related conditions. ClinVar contains an entry for this variant (Variation ID: 3019651). An algorithm developed to predict the effect of missense changes on protein structure and function (PolyPhen-2) suggests that this variant is likely to be disruptive. Experimental studies have shown that this missense change affects MBD4 function (PMID: 33871441). In summary, the available evidence is currently insufficient to determine the role of this variant in disease. Therefore, it has been classified as a Variant of Uncertain Significance.

Ambry Genetics
Classification: Uncertain significance for Inborn genetic diseases. Last evaluated: 2025-05-04. Review status: criteria provided, single submitter. Criteria: Ambry Variant Classification Scheme 2023. Collection method: clinical testing. Allele origin: germline.

Literature cited by the submitters: PubMed 33871441 (cited by Labcorp Genetics (formerly Invitae), Labcorp).

NM_001276270.2(MBD4):c.1516C>T (p.Arg506Trp)

Gene: MBD4 (methyl-CpG binding domain 4, DNA glycosylase; minus strand). Cytogenetic location: 3q21.3.
Variant type: single nucleotide variant.
Coding change: c.1516C>T on transcript NM_001276270.2 (MANE Select); coding-DNA position 1516, C replaced by T.
Protein change: p.Arg506Trp; replaces arginine 506 with tryptophan.
Molecular consequence: missense variant.
Genome position (GRCh38, 1-based): chr3:129,433,125, G>A on the plus strand (C>T on the coding strand, the complement: MBD4 is on the minus strand). VCF-style: chr3-129433125-G-A. GRCh37 (hg19) VCF-style: chr3-129151968-G-A.
Other names: c.1534C>T, p.Arg512Trp (NM_001276271.2, NM_001276272.2, NM_003925.3); c.580C>T, p.Arg194Trp (NM_001276273.2); short protein forms R512W, R506W, R194W.
Identifiers: ClinVar variation 3019651 (VCV003019651.5), dbSNP rs1381175027, ClinGen allele CA354465138.